The following is an entry in ClinVar:

ClinVar aggregate classification (germline): Uncertain significance (1 of 4 stars; one submission).

Conditions:
Dyskeratosis congenita, autosomal dominant 1 (DKCA1). Also called: Dyskeratosis congenita Scoggins type. Identifiers: Orphanet 1775, MedGen C4551974, MONDO:0007485, OMIM 127550. Inheritance: Variable.

gnomAD v4.1: 1 of 765,366 alleles (0.00013%); highest among the groups gnomAD compares: Non-Finnish European, 0.00024%; no homozygotes.

Submission:

Labcorp Genetics (formerly Invitae), Labcorp
Classification: Uncertain significance for Dyskeratosis congenita, autosomal dominant 1. Last evaluated: 2020-12-09. Review status: criteria provided, single submitter. Criteria: Invitae Variant Classification Sherloc (09022015). Collection method: clinical testing. Allele origin: germline.
Comment: In summary, the available evidence is currently insufficient to determine the role of this variant in disease. Therefore, it has been classified as a Variant of Uncertain Significance. This variant is located within the template/pseudoknot domain of the TERC RNA component, which is required for RNA or RNP stability (PMID: 15082312, 21844345). Functional studies testing the effect of this variant on TERC secondary structure or function have not been reported. This variant has not been reported in the literature in individuals with TERC-related conditions. This variant is not present in population databases (ExAC no frequency). This variant occurs in the TERC gene, which encodes an RNA molecule that does not result in a protein product.

Literature cited by the submitters: PubMed 15082312; PubMed 21844345.

NC_000003.12:g.169765015G>C

Genes: TERC (telomerase RNA component; minus strand), LOC110806306 (telomerase RNA component (TERC) promoter; plus strand). Cytogenetic location: 3q26.2.
Variant type: single nucleotide variant.
Genome position: GRCh38 VCF-style: chr3-169765015-G-C. GRCh37 (hg19) VCF-style: chr3-169482803-G-C.
Identifiers: ClinVar variation 937759 (VCV000937759.10), dbSNP rs1330995437, ClinGen allele CA436715963.